The following is an entry in ClinVar:

ClinVar aggregate classification (germline): Likely benign. Review status: criteria provided, multiple submitters, no conflicts (2 of 4 stars). 4 submissions from 4 submitters: Likely benign (4). Last evaluated 2025-02-02.

Conditions:
Cardiac arrhythmia. Also called: Cardiac rhythm disease; Arrhythmia. Identifiers: MedGen C0003811, MONDO:0007263, HP:0011675.
Long QT syndrome (LQTS). Identifiers: MedGen C0023976, MeSH D008133, MONDO:0002442. Disease mechanism: loss of function. Inheritance: Various modes of inheritance.

Allele frequency attached by ClinVar (database versions not stated): gnomAD exomes below 0.00001; TOPMed below 0.00001.
gnomAD v4.1: 1 of 1,606,476 alleles (0.000062%); highest among the groups gnomAD compares: Non-Finnish European, 0.000085%; no homozygotes.

Submissions (4):

Labcorp Genetics (formerly Invitae), Labcorp
Classification: Likely benign for Long QT syndrome. Last evaluated: 2025-02-02. Review status: criteria provided, single submitter. Criteria: Invitae Variant Classification Sherloc (09022015). Collection method: clinical testing. Allele origin: germline.

All of Us Research Program, National Institutes of Health
Classification: Likely benign for Long QT syndrome. Last evaluated: 2024-02-05. Review status: criteria provided, single submitter. Criteria: ACMG Guidelines, 2015. Collection method: clinical testing. Allele origin: germline. Inheritance: Autosomal dominant inheritance. Observed: 1 variant allele, 1 heterozygote.
Comment: This study involves interpretation of variants in research participants for the purpose of population health screening. Participant phenotype was not available at the time of variant classification. Additional details can be found in publication PMID: 35346344, PMCID: PMC8962531

Blueprint Genetics
Classification: Likely benign. Last evaluated: 2023-05-16. Review status: criteria provided, single submitter. Criteria: ACMG Guidelines, 2015. Collection method: clinical testing. Allele origin: germline.

Color Diagnostics, LLC DBA Color Health
Classification: Likely benign for Arrhythmia. Last evaluated: 2019-07-26. Review status: criteria provided, single submitter. Criteria: ACMG Guidelines, 2015. Collection method: clinical testing. Allele origin: germline.

NM_000238.4(KCNH2):c.246C>T (p.Ile82=)

Gene: KCNH2 (potassium voltage-gated channel subfamily H member 2; minus strand). Cytogenetic location: 7q36.1.
Variant type: single nucleotide variant.
Coding change: c.246C>T on transcript NM_000238.4 (MANE Select); coding-DNA position 246, C replaced by T.
Protein change: p.Ile82=; no amino-acid change (isoleucine 82 retained).
Molecular consequence: synonymous variant. On other transcripts: non-coding transcript variant (1).
Genome position (GRCh38, 1-based): chr7:150,974,772, G>A on the plus strand (C>T on the coding strand, the complement: KCNH2 is on the minus strand). VCF-style: chr7-150974772-G-A. GRCh37 (hg19) VCF-style: chr7-150671860-G-A.
Other names: c.69C>T, p.Ile23= (NM_001406755.1); c.246C>T, p.Ile82= (NM_172056.3).
Identifiers: ClinVar variation 923150 (VCV000923150.10), dbSNP rs974990528, ClinGen allele CA458871805.